The following is an entry in ClinVar:

ClinVar aggregate classification (germline): Uncertain significance (1 of 4 stars; one submission).

Submission:

CeGaT Center for Human Genetics Tuebingen
Classification: Uncertain significance. Last evaluated: 2024-07-01. Review status: criteria provided, single submitter. Criteria: CeGaT Center For Human Genetics Tuebingen Variant Classification Criteria Version 2. Collection method: clinical testing. Allele origin: germline. Affected: yes. Observed: 1 variant allele.
Comment: LRRC32: PM2, BP4

NM_001128922.2(LRRC32):c.84+5_84+6dup

Gene: LRRC32 (leucine rich repeat containing 32; minus strand). Cytogenetic location: 11q13.5.
Variant type: Duplication.
Coding change: c.84+5_84+6dup on transcript NM_001128922.2 (MANE Select); bases 5 to 6 of the intron after coding-DNA position 84, 2 bases duplicated (GA; older notation c.84+5_84+6dupGA).
Molecular consequence: intron variant. On other transcripts: frameshift variant (1), initiator codon variant (1).
Genome position (GRCh38, 1-based): chr11:76,665,865-76,665,866, TC duplicated on the plus strand (GA on the coding strand, the reverse complement: LRRC32 is on the minus strand); duplicating any 2 consecutive bases within chr11:76,665,865-76,665,867 gives the same sequence; the c. name uses the placement nearest the transcript's 3' end. VCF-style (leftmost placement, unchanged base first): chr11-76665864-A-ATC. GRCh37 (hg19) VCF-style: chr11-76376908-A-ATC.
Other names: c.-1_1dup, p.Met1fs (NM_001370189.1); c.-246-4358_-246-4357dup (NM_001370190.1); c.84+5_84+6dup (NM_001370191.1, NM_001370187.1, NM_005512.3 and 1 more transcripts); short protein forms M1fs.
Identifiers: ClinVar variation 3257031 (VCV003257031.17).
Genomic context (GRCh38, chr11:76,665,864, plus strand): 5'-GGCACTAGCACACCCTAGGGCAGGGAGGTGGGGGTGGTCCTCACCCTGTCTGGGCAGAGC[A>ATC]TCTTACCATCTTACAGGGCACTTTGTCTTGGTGTTGTGCAGCCAGGCCTAGGGTCAGCAG-3'